The following is an entry in ClinVar:

NM_001035.3(RYR2):c.12954C>T (p.Leu4318=)

Genes: RYR2 (ryanodine receptor 2; plus strand), LOC126806068 (BRD4-independent group 4 enhancer GRCh37_chr1:237947411-237948610; plus strand). Cytogenetic location: 1q43.
Variant type: single nucleotide variant.
Coding change: c.12954C>T on transcript NM_001035.3 (MANE Select); coding-DNA position 12954, C replaced by T.
Protein change: p.Leu4318=; no amino-acid change (leucine 4318 retained).
Molecular consequence: synonymous variant.
Genome position (GRCh38, 1-based): chr1:237,784,666, C>T. VCF-style: chr1-237784666-C-T. GRCh37 (hg19) VCF-style: chr1-237947966-C-T.
Identifiers: ClinVar variation 700384 (VCV000700384.14), dbSNP rs1055906213, ClinGen allele CA39828098.
Genomic context (GRCh38, chr1:237,784,666, plus strand): 5'-GGCCAGCGTTTTCAGAGGCTTTTTCCGCATCATTTGCAGCCTGCTGCTTGGGGGAAGCCT[C>T]GTCGAAGGTGCTAAAAAGATCAAAGTTGCAGAACTGTTAGCCAACATGCCAGACCCCACT-3'
Protein context (NP_001026.2, residues 4308-4328): IICSLLLGGS[Leu4318=]VEGAKKIKVA

ClinVar aggregate classification (germline): Likely benign. Review status: criteria provided, multiple submitters, no conflicts (2 of 4 stars). 3 submissions from 3 submitters: Likely benign (3). Last evaluated 2025-01-23.

Conditions:
Cardiovascular phenotype. Identifiers: MedGen CN230736.
Catecholaminergic polymorphic ventricular tachycardia 1. Also called: VENTRICULAR TACHYCARDIA, CATECHOLAMINERGIC POLYMORPHIC, 1, WITH OR WITHOUT ATRIAL DYSFUNCTION AND/OR DILATED CARDIOMYOPATHY; VENTRICULAR TACHYCARDIA, STRESS-INDUCED POLYMORPHIC 1; RYR2-Related Catecholaminergic Polymorphic Ventricular Tachycardia. Identifiers: Orphanet 3286, MedGen C1631597, MONDO:0011484, OMIM 604772.
Catecholaminergic polymorphic ventricular tachycardia (CVPT). Also called: Catecholamine-induced polymorphic ventricular tachycardia. Identifiers: Orphanet 3286, MedGen C5574922, MONDO:0017990.

Allele frequency attached by ClinVar (database versions not stated): gnomAD 0.00001; TOPMed 0.00002.
gnomAD v4.1: 6 of 1,612,758 alleles (0.00037%); highest among the groups gnomAD compares: Non-Finnish European, 0.00042%; no homozygotes.

Submissions (3):

Labcorp Genetics (formerly Invitae), Labcorp
Classification: Likely benign for Catecholaminergic polymorphic ventricular tachycardia 1. Last evaluated: 2025-01-23. Review status: criteria provided, single submitter. Criteria: Invitae Variant Classification Sherloc (09022015). Collection method: clinical testing. Allele origin: germline.

All of Us Research Program, National Institutes of Health
Classification: Likely benign for Catecholaminergic polymorphic ventricular tachycardia. Last evaluated: 2023-08-15. Review status: criteria provided, single submitter. Criteria: ACMG Guidelines, 2015. Collection method: clinical testing. Allele origin: germline. Inheritance: Autosomal dominant inheritance. Observed: 2 variant alleles, 2 heterozygotes.
Comment: This study involves interpretation of variants in research participants for the purpose of population health screening. Participant phenotype was not available at the time of variant classification. Additional details can be found in publication PMID: 35346344, PMCID: PMC8962531

Ambry Genetics
Classification: Likely benign for Cardiovascular phenotype. Last evaluated: 2021-10-19. Review status: criteria provided, single submitter. Criteria: Ambry Variant Classification Scheme 2023. Collection method: clinical testing. Allele origin: germline.